The following is an entry in ClinVar:

NM_005477.3(HCN4):c.3116C>T (p.Pro1039Leu)

Gene: HCN4 (hyperpolarization activated cyclic nucleotide gated potassium channel 4; minus strand). Cytogenetic location: 15q24.1.
Variant type: single nucleotide variant.
Coding change: c.3116C>T on transcript NM_005477.3 (MANE Select); coding-DNA position 3116, C replaced by T.
Protein change: p.Pro1039Leu; replaces proline 1039 with leucine.
Molecular consequence: missense variant.
Genome position (GRCh38, 1-based): chr15:73,322,977, G>A on the plus strand (C>T on the coding strand, the complement: HCN4 is on the minus strand). VCF-style: chr15-73322977-G-A. GRCh37 (hg19) VCF-style: chr15-73615318-G-A.
Other names: short protein forms P1039L.
Identifiers: ClinVar variation 575946 (VCV000575946.10), dbSNP rs572132730, ClinGen allele CA7648882.

ClinVar aggregate classification (germline): Uncertain significance. Review status: criteria provided, multiple submitters, no conflicts (2 of 4 stars). 2 submissions from 2 submitters: Uncertain significance (2). Last evaluated 2023-10-28.

Conditions:
Brugada syndrome 8 (BRGDA8). Identifiers: Orphanet 130, MedGen C2751083, MONDO:0013148, OMIM 613123.
Cardiovascular phenotype. Identifiers: MedGen CN230736.

Allele frequency attached by ClinVar (database versions not stated): ExAC below 0.00001; gnomAD exomes 0.00001; TOPMed 0.00001; gnomAD 0.00002; 1000 Genomes Project 0.00020; 1000 Genomes Project 30x 0.00031.
gnomAD v4.1: 21 of 1,442,276 alleles (0.0015%); highest among the groups gnomAD compares: South Asian, 0.016%; no homozygotes.

Submissions (2):

Labcorp Genetics (formerly Invitae), Labcorp
Classification: Uncertain significance for Brugada syndrome 8. Last evaluated: 2023-10-28. Review status: criteria provided, single submitter. Criteria: Invitae Variant Classification Sherloc (09022015). Collection method: clinical testing. Allele origin: germline.
Comment: This sequence change replaces proline, which is neutral and non-polar, with leucine, which is neutral and non-polar, at codon 1039 of the HCN4 protein (p.Pro1039Leu). The frequency data for this variant in the population databases is considered unreliable, as metrics indicate poor data quality at this position in the gnomAD database. This variant has not been reported in the literature in individuals affected with HCN4-related conditions. ClinVar contains an entry for this variant (Variation ID: 575946). Advanced modeling of protein sequence and biophysical properties (such as structural, functional, and spatial information, amino acid conservation, physicochemical variation, residue mobility, and thermodynamic stability) performed at Invitae indicates that this missense variant is not expected to disrupt HCN4 protein function with a negative predictive value of 95%. In summary, the available evidence is currently insufficient to determine the role of this variant in disease. Therefore, it has been classified as a Variant of Uncertain Significance.

Ambry Genetics
Classification: Uncertain significance for Cardiovascular phenotype. Last evaluated: 2023-10-12. Review status: criteria provided, single submitter. Criteria: Ambry Variant Classification Scheme 2023. Collection method: clinical testing. Allele origin: germline.
Comment: The p.P1039L variant (also known as c.3116C>T), located in coding exon 8 of the HCN4 gene, results from a C to T substitution at nucleotide position 3116. The proline at codon 1039 is replaced by leucine, an amino acid with similar properties. This amino acid position is conserved. In addition, this alteration is predicted to be tolerated by in silico analysis. Since supporting evidence is limited at this time, the clinical significance of this alteration remains unclear.